The following is an entry in ClinVar:

ClinVar aggregate classification (germline): Uncertain significance (1 of 4 stars; one submission).

Conditions:
Oculofaciocardiodental syndrome (MCOPS2). Identifiers: Orphanet 2712, MedGen C1846265, MONDO:0010261, OMIM 300166.

Submission:

Labcorp Genetics (formerly Invitae), Labcorp
Classification: Uncertain significance for Oculofaciocardiodental syndrome. Last evaluated: 2022-07-19. Review status: criteria provided, single submitter. Criteria: Invitae Variant Classification Sherloc (09022015). Collection method: clinical testing. Allele origin: germline.
Comment: This variant is not present in population databases (gnomAD no frequency). In summary, the available evidence is currently insufficient to determine the role of this variant in disease. Therefore, it has been classified as a Variant of Uncertain Significance. Algorithms developed to predict the effect of missense changes on protein structure and function (SIFT, PolyPhen-2, Align-GVGD) all suggest that this variant is likely to be disruptive. ClinVar contains an entry for this variant (Variation ID: 1493404). This missense change has been observed in at least one individual who was not affected with BCOR-related conditions (Invitae). This variant has not been reported in the literature in individuals affected with BCOR-related conditions. This sequence change replaces glycine, which is neutral and non-polar, with valine, which is neutral and non-polar, at codon 1325 of the BCOR protein (p.Gly1325Val).

NM_001123385.2(BCOR):c.4076G>T (p.Gly1359Val)

Gene: BCOR (BCL6 corepressor; minus strand). Cytogenetic location: Xp11.4.
Variant type: single nucleotide variant.
Coding change: c.4076G>T on transcript NM_001123385.2 (MANE Select); coding-DNA position 4076, G replaced by T.
Protein change: p.Gly1359Val; replaces glycine 1359 with valine.
Molecular consequence: missense variant.
Genome position (GRCh38, 1-based): chrX:40,062,843, C>A on the plus strand (G>T on the coding strand, the complement: BCOR is on the minus strand). VCF-style: chrX-40062843-C-A. GRCh37 (hg19) VCF-style: chrX-39922096-C-A.
Other names: c.3974G>T, p.Gly1325Val (NM_001123383.2, NM_017745.6); c.3920G>T, p.Gly1307Val (NM_001123384.2); short protein forms G1359V, G1325V, G1307V.
Identifiers: ClinVar variation 1493404 (VCV001493404.8), dbSNP rs2147031295, ClinGen allele CA412736595.